The following is an entry in ClinVar:

ClinVar aggregate classification (germline): Likely benign. Review status: criteria provided, multiple submitters, no conflicts (2 of 4 stars). 2 submissions from 2 submitters: Likely benign (2). Last evaluated 2025-10-08.

Conditions:
Charcot-Marie-Tooth disease axonal type 2U. Also called: CHARCOT-MARIE-TOOTH NEUROPATHY, TYPE 2U; CHARCOT-MARIE-TOOTH DISEASE, AXONAL, AUTOSOMAL DOMINANT, TYPE 2U. Identifiers: Orphanet 397735, MedGen C4084821, MONDO:0014566, OMIM 616280.
Severe early-onset pulmonary alveolar proteinosis due to MARS deficiency. Also called: Interstitial lung and liver disease; PULMONARY ALVEOLAR PROTEINOSIS, REUNION ISLAND. Identifiers: Orphanet 440427, MedGen C4225400, MONDO:0014206, OMIM 615486.
MARS1-related disorder. Also called: MARS1-related condition.

Allele frequency attached by ClinVar (database versions not stated): TOPMed 0.00002; gnomAD exomes 0.00003 and 0.00010; ExAC 0.00006; gnomAD 0.00006; 1000 Genomes Project 30x 0.00016; 1000 Genomes Project 0.00020.
gnomAD v4.1: 54 of 1,613,784 alleles (0.0033%); highest among the groups gnomAD compares: East Asian, 0.069%; no homozygotes.

Submissions (2):

PreventionGenetics, part of Exact Sciences
Classification: Likely benign for MARS1-related condition. Last evaluated: 2025-10-08. Review status: criteria provided, single submitter. Criteria: ACMG Guidelines, 2015. Collection method: clinical testing. Allele origin: germline.
Comment: This variant is classified as likely benign based on ACMG/AMP sequence variant interpretation guidelines (Richards et al. 2015 PMID: 25741868, with internal and published modifications).

Labcorp Genetics (formerly Invitae), Labcorp
Classification: Likely benign for Charcot-Marie-Tooth disease axonal type 2U; Severe early-onset pulmonary alveolar proteinosis due to MARS deficiency. Last evaluated: 2025-01-23. Review status: criteria provided, single submitter. Criteria: Invitae Variant Classification Sherloc (09022015). Collection method: clinical testing. Allele origin: germline.

NM_004990.4(MARS1):c.2622G>A (p.Ala874=)

Gene: MARS1 (methionyl-tRNA synthetase 1; plus strand). Cytogenetic location: 12q13.3.
Variant type: single nucleotide variant.
Coding change: c.2622G>A on transcript NM_004990.4 (MANE Select); coding-DNA position 2622, G replaced by A.
Protein change: p.Ala874=; no amino-acid change (alanine 874 retained).
Molecular consequence: synonymous variant.
Genome position (GRCh38, 1-based): chr12:57,516,500, G>A. VCF-style: chr12-57516500-G-A. GRCh37 (hg19) VCF-style: chr12-57910283-G-A.
Other names: c.2622G>A (NM_004990.3).
Identifiers: ClinVar variation 1681805 (VCV001681805.9), dbSNP rs201214343, ClinGen allele CA6650909.
Genomic context (GRCh38, chr12:57,516,500, plus strand): 5'-CATTGTCCGAGAACTGAAAGCACAAAAGGCAGACAAGAACGAGGTTGCTGCGGAGGTGGC[G>A]AAACTCTTGGATCTAAAGAAACAGTTGGCTGTAGCTGAGGGGAAACCCCCTGAAGCCCCT-3'
Protein context (NP_004981.2, residues 864-884): ADKNEVAAEV[Ala874=]KLLDLKKQLA